The following is an entry in ClinVar:

ClinVar aggregate classification (germline): Conflicting classifications of pathogenicity. Review status: criteria provided, conflicting classifications (1 of 4 stars). 6 submissions from 6 submitters: Uncertain significance (1); Benign (1); Likely benign (4). Last evaluated 2026-01-11.

Conditions:
Hereditary cancer-predisposing syndrome. Also called: Tumor predisposition; Neoplastic Syndromes, Hereditary; Hereditary Cancer Syndrome; Hereditary neoplastic syndrome. Identifiers: Orphanet 140162, MedGen C0027672, MeSH D009386, MONDO:0015356.
Familial cancer of breast. Also called: hereditary breast carcinoma; BREAST CANCER, FAMILIAL; Hereditary breast cancer. Identifiers: Orphanet 227535, MedGen C0346153, MONDO:0016419, OMIM 114480. Disease mechanism: loss of function.

Allele frequency attached by ClinVar (database versions not stated): gnomAD 0.00001; gnomAD exomes 0.00002; TOPMed 0.00002; ESP Exome Variant Server 0.00008.
gnomAD v4.1: 22 of 1,611,770 alleles (0.0014%); highest among the groups gnomAD compares: South Asian, 0.0055%; no homozygotes.

Submissions (6):

Labcorp Genetics (formerly Invitae), Labcorp
Classification: Likely benign for Familial cancer of breast. Last evaluated: 2026-01-11. Review status: criteria provided, single submitter. Criteria: Invitae Variant Classification Sherloc (09022015). Collection method: clinical testing. Allele origin: germline.

Myriad Genetics, Inc.
Classification: Benign for Familial cancer of breast. Last evaluated: 2024-07-24. Review status: criteria provided, single submitter. Criteria: Myriad Autosomal Dominant, Autosomal Recessive and X-Linked Classification Criteria (2023). Collection method: clinical testing. Allele origin: unknown.
Comment: This variant is considered benign. This variant is a silent/synonymous amino acid change and it is not expected to impact splicing.

CeGaT Center for Human Genetics Tuebingen
Classification: Uncertain significance. Last evaluated: 2018-04-01. Review status: criteria provided, single submitter. Criteria: CeGaT Center For Human Genetics Tuebingen Variant Classification Criteria Version 2. Collection method: clinical testing. Allele origin: germline. Affected: yes. Observed: 1 variant allele.

Color Diagnostics, LLC DBA Color Health
Classification: Likely benign for Hereditary cancer-predisposing syndrome. Last evaluated: 2018-02-12. Review status: criteria provided, single submitter. Criteria: ACMG Guidelines, 2015. Collection method: clinical testing. Allele origin: germline.

GeneDx
Classification: Likely benign. Last evaluated: 2017-11-13. Review status: criteria provided, single submitter. Criteria: GeneDx Variant Classification (06012015). Collection method: clinical testing. Allele origin: germline. Affected: yes.
Comment: This variant is considered likely benign or benign based on one or more of the following criteria: it is a conservative change, it occurs at a poorly conserved position in the protein, it is predicted to be benign by multiple in silico algorithms, and/or has population frequency not consistent with disease.

Ambry Genetics
Classification: Likely benign for Hereditary cancer-predisposing syndrome. Last evaluated: 2014-10-16. Review status: criteria provided, single submitter. Criteria: Ambry Variant Classification Scheme 2023. Collection method: clinical testing. Allele origin: germline.

NM_000465.4(BARD1):c.1317C>T (p.Gly439=)

Gene: BARD1 (BRCA1 associated RING domain 1; minus strand). Cytogenetic location: 2q35.
Variant type: single nucleotide variant.
Coding change: c.1317C>T on transcript NM_000465.4 (MANE Select); coding-DNA position 1317, C replaced by T.
Protein change: p.Gly439=; no amino-acid change (glycine 439 retained).
Molecular consequence: synonymous variant. On other transcripts: non-coding transcript variant (3), intron variant (3).
Genome position (GRCh38, 1-based): chr2:214,769,310, G>A on the plus strand (C>T on the coding strand, the complement: BARD1 is on the minus strand). VCF-style: chr2-214769310-G-A. GRCh37 (hg19) VCF-style: chr2-215634034-G-A.
Other names: c.1260C>T, p.Gly420= (NM_001282543.2); c.159-16755C>T (NM_001282548.2); c.216-16755C>T (NM_001282545.2); c.364+22987C>T (NM_001282549.2).
Identifiers: ClinVar variation 186741 (VCV000186741.59), dbSNP rs369986649, ClinGen allele CA195728.